The following is an entry in ClinVar:

NM_001130823.3(DNMT1):c.80+5G>T

Genes: DNMT1 (DNA methyltransferase 1; minus strand), LOC130063472 (ATAC-STARR-seq lymphoblastoid silent region 10057; plus strand). Cytogenetic location: 19p13.2.
Variant type: single nucleotide variant.
Coding change: c.80+5G>T on transcript NM_001130823.3 (MANE Select); 5 bases into the intron after coding-DNA position 80, G replaced by T.
Molecular consequence: intron variant.
Genome position (GRCh38, 1-based): chr19:10,194,815, C>A on the plus strand (G>T on the coding strand, the complement: DNMT1 is on the minus strand). VCF-style: chr19-10194815-C-A. GRCh37 (hg19) VCF-style: chr19-10305491-C-A.
Other names: c.-244+5G>T (NM_001318731.2); c.80+5G>T (NM_001379.4, NM_001318730.2).
Identifiers: ClinVar variation 1366223 (VCV001366223.6), dbSNP rs2145417580, ClinGen allele CA2573155511.

ClinVar aggregate classification (germline): Uncertain significance (1 of 4 stars; one submission).

Conditions:
Hereditary sensory neuropathy-deafness-dementia syndrome. Also called: HSN IE; Hereditary sensory neuropathy type IE; Hereditary Sensory and Autonomic Neuropathy Type 1E (HSAN1E); NEUROPATHY, HEREDITARY SENSORY, WITH HEARING LOSS AND DEMENTIA. Identifiers: Orphanet 456318, MedGen C3279885, MONDO:0013584, OMIM 614116.

Submission:

Labcorp Genetics (formerly Invitae), Labcorp
Classification: Uncertain significance for Hereditary sensory neuropathy-deafness-dementia syndrome. Last evaluated: 2021-09-06. Review status: criteria provided, single submitter. Criteria: Invitae Variant Classification Sherloc (09022015). Collection method: clinical testing. Allele origin: germline.
Comment: This sequence change falls in intron 1 of the DNMT1 gene. It does not directly change the encoded amino acid sequence of the DNMT1 protein. It affects a nucleotide within the consensus splice site of the intron. This variant is not present in population databases (ExAC no frequency). This variant has not been reported in the literature in individuals affected with DNMT1-related conditions. Nucleotide substitutions within the consensus splice site are a relatively common cause of aberrant splicing (PMID: 17576681, 9536098). Algorithms developed to predict the effect of sequence changes on RNA splicing suggest that this variant may disrupt the consensus splice site. In summary, the available evidence is currently insufficient to determine the role of this variant in disease. Therefore, it has been classified as a Variant of Uncertain Significance.

Literature cited by the submitters: PubMed 17576681; PubMed 9536098.